The following is an entry in ClinVar:

NM_000179.3(MSH6):c.2015C>T (p.Thr672Ile)

Gene: MSH6 (mutS homolog 6; plus strand). Cytogenetic location: 2p16.3.
Variant type: single nucleotide variant.
Coding change: c.2015C>T on transcript NM_000179.3 (MANE Select); coding-DNA position 2015, C replaced by T.
Protein change: p.Thr672Ile; replaces threonine 672 with isoleucine.
Molecular consequence: missense variant.
Genome position (GRCh38, 1-based): chr2:47,799,998, C>T. VCF-style: chr2-47799998-C-T. GRCh37 (hg19) VCF-style: chr2-48027137-C-T.
Other names: c.1625C>T, p.Thr542Ile (NM_001281492.2); c.1109C>T, p.Thr370Ile (NM_001281493.2, NM_001281494.2); short protein forms T672I, T370I, T542I.
Identifiers: ClinVar variation 479877 (VCV000479877.26), dbSNP rs1460598011, ClinGen allele CA346750694.

ClinVar aggregate classification (germline): Conflicting classifications of pathogenicity. Review status: criteria provided, conflicting classifications (1 of 4 stars). 8 submissions from 8 submitters: Uncertain significance (7); Benign (1). Last evaluated 2026-01-10.

Conditions:
MSH6-related disorder. Also called: MSH6-related condition; MSH6-Related disorders.
Hereditary nonpolyposis colorectal neoplasms. Identifiers: MedGen C0009405, MeSH D003123.
Hereditary cancer-predisposing syndrome. Also called: Neoplastic Syndromes, Hereditary; Hereditary Cancer Syndrome; Tumor predisposition; Hereditary neoplastic syndrome. Identifiers: Orphanet 140162, MedGen C0027672, MeSH D009386, MONDO:0015356.
Lynch syndrome. Identifiers: Orphanet 144, MedGen C4552100, MONDO:0005835. Disease mechanism: loss of function.
Endometrial carcinoma. Also called: Endometrial carcinoma, somatic. Identifiers: MedGen C0476089, MONDO:0002447, OMIM 608089, HP:0012114.

Allele frequency attached by ClinVar (database versions not stated): gnomAD exomes 0.00001.
gnomAD v4.1: 11 of 1,614,014 alleles (0.00068%); highest among the groups gnomAD compares: South Asian, 0.0011%; no homozygotes.

Submissions (8):

PreventionGenetics, part of Exact Sciences
Classification: Uncertain significance for MSH6-related condition. Last evaluated: 2026-01-10. Review status: criteria provided, single submitter. Criteria: ACMG Guidelines, 2015. Collection method: clinical testing. Allele origin: germline.
Comment: The MSH6 c.2015C>T variant is predicted to result in the amino acid substitution p.Thr672Ile. To our knowledge, this variant has not been reported in the literature or in a large population database (gnomAD) indicating it is rare. It has conflicting interpretations in ClinVar ranging from benign to uncertain (Variation ID: 479877). At this time, the clinical significance of this variant is uncertain due to the absence of conclusive functional and genetic evidence.

Ambry Genetics
Classification: Uncertain significance for Hereditary cancer-predisposing syndrome. Last evaluated: 2025-04-12. Review status: criteria provided, single submitter. Criteria: Ambry Variant Classification Scheme 2023. Collection method: clinical testing. Allele origin: germline.
Comment: The p.T672I variant (also known as c.2015C>T), located in coding exon 4 of the MSH6 gene, results from a C to T substitution at nucleotide position 2015. The threonine at codon 672 is replaced by isoleucine, an amino acid with similar properties. This amino acid position is highly conserved in available vertebrate species. In addition, this alteration is predicted to be deleterious by in silico analysis. Since supporting evidence is limited at this time, the clinical significance of this alteration remains unclear.

Women's Health and Genetics/Laboratory Corporation of America, LabCorp
Classification: Uncertain significance. Last evaluated: 2024-11-29. Review status: criteria provided, single submitter. Criteria: LabCorp Variant Classification Summary - May 2015. Collection method: clinical testing. Allele origin: germline.
Comment: Variant summary: MSH6 c.2015C>T (p.Thr672Ile) results in a non-conservative amino acid change in the encoded protein sequence. Five of five in-silico tools predict a damaging effect of the variant on protein function. The frequency data for this variant in gnomAD is considered unreliable, as metrics indicate poor data quality at this position. To our knowledge, no occurrence of c.2015C>T in individuals affected with Lynch Syndrome and no experimental evidence demonstrating its impact on protein function have been reported. ClinVar contains an entry for this variant (Variation ID: 479877). Based on the evidence outlined above, the variant was classified as uncertain significance.

Labcorp Genetics (formerly Invitae), Labcorp
Classification: Benign for Hereditary nonpolyposis colorectal neoplasms. Last evaluated: 2024-11-27. Review status: criteria provided, single submitter. Criteria: Invitae Variant Classification Sherloc (09022015). Collection method: clinical testing. Allele origin: germline.

GeneDx
Classification: Uncertain significance. Last evaluated: 2024-08-27. Review status: criteria provided, single submitter. Criteria: GeneDx Variant Classification Process June 2021. Collection method: clinical testing. Allele origin: germline. Affected: yes.
Comment: Not observed at significant frequency in large population cohorts (gnomAD); In silico analysis supports that this missense variant has a deleterious effect on protein structure/function; Has not been previously published as pathogenic or benign to our knowledge; This variant is associated with the following publications: (PMID: 17531815, 21120944)

Color Diagnostics, LLC DBA Color Health
Classification: Uncertain significance for Hereditary cancer-predisposing syndrome. Last evaluated: 2024-03-06. Review status: criteria provided, single submitter. Criteria: ACMG Guidelines, 2015. Collection method: clinical testing. Allele origin: germline.
Comment: This missense variant replaces threonine with isoleucine at codon 672 of the MSH6 protein. Computational prediction suggests that this variant may have deleterious impact on protein structure and function (internally defined REVEL score threshold >= 0.7, PMID: 27666373). To our knowledge, functional studies have not been reported for this variant. This variant has not been reported in individuals affected with MSH6-related disorders in the literature. This variant has not been identified in the general population by the Genome Aggregation Database (gnomAD). The available evidence is insufficient to determine the role of this variant in disease conclusively. Therefore, this variant is classified as a Variant of Uncertain Significance.

All of Us Research Program, National Institutes of Health
Classification: Uncertain significance for Lynch syndrome. Last evaluated: 2023-12-01. Review status: criteria provided, single submitter. Criteria: ACMG Guidelines, 2015. Collection method: clinical testing. Allele origin: germline. Inheritance: Autosomal dominant inheritance. Observed: 5 variant alleles, 5 heterozygotes.
Comment: This missense variant replaces threonine with isoleucine at codon 672 of the MSH6 protein. Computational prediction suggests that this variant may have deleterious impact on protein structure and function (internally defined REVEL score threshold >= 0.7, PMID: 27666373). Splice site prediction tools suggest that this variant may not impact RNA splicing. To our knowledge, functional studies have not been performed for this variant. This variant has not been reported in individuals affected with hereditary cancer in the literature. This variant has not been identified in the general population by the Genome Aggregation Database (gnomAD). The available evidence is insufficient to determine the role of this variant in disease conclusively. Therefore, this variant is classified as a Variant of Uncertain Significance.

This study involves interpretation of variants in research participants for the purpose of population health screening. Participant phenotype was not available at the time of variant classification. Additional details can be found in publication PMID: 35346344, PMCID: PMC8962531

Baylor Genetics
Classification: Uncertain significance for Endometrial carcinoma. Last evaluated: 2023-10-23. Review status: criteria provided, single submitter. Criteria: ACMG Guidelines, 2015. Collection method: clinical testing. Allele origin: unknown.